The following is an entry in ClinVar:

NM_032043.3(BRIP1):c.1936-44C>A

Gene: BRIP1 (BRCA1 interacting DNA helicase 1; minus strand). Cytogenetic location: 17q23.2.
Variant type: single nucleotide variant.
Coding change: c.1936-44C>A on transcript NM_032043.3 (MANE Select); 44 bases into the intron before coding-DNA position 1936, C replaced by A.
Molecular consequence: intron variant.
Genome position (GRCh38, 1-based): chr17:61,776,606, G>T on the plus strand (C>A on the coding strand, the complement: BRIP1 is on the minus strand). VCF-style: chr17-61776606-G-T. GRCh37 (hg19) VCF-style: chr17-59853967-G-T.
Identifiers: ClinVar variation 1292503 (VCV001292503.4), dbSNP rs139659736, ClinGen allele CA8690621.

ClinVar aggregate classification (germline): Benign/Likely benign. Review status: criteria provided, multiple submitters, no conflicts (2 of 4 stars). 3 submissions from 3 submitters: Benign (2); Likely benign (1). Last evaluated 2025-12-29.

Conditions:
Hereditary breast ovarian cancer syndrome. Also called: Hereditary breast and ovarian cancer; Hereditary breast and/or ovarian cancer syndrome; Breast and ovarian cancer; Hereditary breast and ovarian cancer syndrome; BRCA1- and BRCA2-Associated Hereditary Breast and Ovarian Cancer; Hereditary breast and ovarian cancer syndrome (HBOC). Identifiers: Orphanet 145, MedGen C0677776, MeSH D061325, MONDO:0003582. Disease mechanism: loss of function.

Allele frequency attached by ClinVar (database versions not stated): ExAC 0.00143; ESP Exome Variant Server 0.00484; gnomAD 0.00500 and 0.00526; 1000 Genomes Project 0.00679; 1000 Genomes Project 30x 0.00750.
gnomAD v4.1: 1,436 of 1,578,668 alleles (0.091%); highest among the groups gnomAD compares: African/African-American, 1.8%; 5 homozygotes.

Submissions (3):

Center for Genomic Medicine, Rigshospitalet, Copenhagen University Hospital
Classification: Benign. Last evaluated: 2025-12-29. Review status: criteria provided, single submitter. Criteria: ACMG Guidelines, 2015. Collection method: clinical testing. Allele origin: germline.
Comment: Classification criteria: BA1

National Health Laboratory Service, Universitas Academic Hospital and University of the Free State
Classification: Likely benign for Hereditary breast ovarian cancer syndrome. Last evaluated: 2022-04-19. Review status: criteria provided, single submitter. Criteria: ACMG Guidelines, 2015. Collection method: clinical testing. Allele origin: germline. Affected: yes. Observed: 2 variant alleles.

GeneDx
Classification: Benign. Last evaluated: 2015-03-03. Review status: criteria provided, single submitter. Criteria: GeneDx Variant Classification Process June 2021. Collection method: clinical testing. Allele origin: germline. Affected: yes.